The following is an entry in ClinVar:

ClinVar aggregate classification (germline): Uncertain significance (1 of 4 stars; one submission).

Allele frequency attached by ClinVar (database versions not stated): ExAC 0.00001; gnomAD 0.00001; 1000 Genomes Project 30x 0.00016; 1000 Genomes Project 0.00020.
gnomAD v4.1: 1 of 1,614,188 alleles (0.000062%); highest among the groups gnomAD compares: African/African-American, 0.0013%; no homozygotes.

Submission:

GeneDx
Classification: Uncertain significance. Last evaluated: 2022-04-26. Review status: criteria provided, single submitter. Criteria: GeneDx Variant Classification Process June 2021. Collection method: clinical testing. Allele origin: germline. Affected: yes.
Comment: In silico analysis supports that this missense variant has a deleterious effect on protein structure/function; Has not been previously published as pathogenic or benign to our knowledge

NM_006796.3(AFG3L2):c.1684G>C (p.Val562Leu)

Gene: AFG3L2 (AFG3 like matrix AAA peptidase subunit 2; minus strand). Cytogenetic location: 18p11.21.
Variant type: single nucleotide variant.
Coding change: c.1684G>C on transcript NM_006796.3 (MANE Select); coding-DNA position 1684, G replaced by C.
Protein change: p.Val562Leu; replaces valine 562 with leucine.
Molecular consequence: missense variant.
Genome position (GRCh38, 1-based): chr18:12,344,227, C>G on the plus strand (G>C on the coding strand, the complement: AFG3L2 is on the minus strand). VCF-style: chr18-12344227-C-G. GRCh37 (hg19) VCF-style: chr18-12344226-C-G.
Other names: short protein forms V562L.
Identifiers: ClinVar variation 1712828 (VCV001712828.2), dbSNP rs552006318, ClinGen allele CA8896425.